The following is an entry in ClinVar:

NM_152701.5(ABCA13):c.10290C>T (p.Cys3430=)

Gene: ABCA13 (ATP binding cassette subfamily A member 13; plus strand). Cytogenetic location: 7p12.3.
Variant type: single nucleotide variant.
Coding change: c.10290C>T on transcript NM_152701.5 (MANE Select); coding-DNA position 10290, C replaced by T.
Protein change: p.Cys3430=; no amino-acid change (cysteine 3430 retained).
Molecular consequence: synonymous variant.
Genome position (GRCh38, 1-based): chr7:48,350,728, C>T. VCF-style: chr7-48350728-C-T. GRCh37 (hg19) VCF-style: chr7-48390325-C-T.
Other names: NC_000007.13:g.48390325C>T.
Identifiers: ClinVar variation 2657487 (VCV002657487.25), dbSNP rs371675186, ClinGen allele CA4258276.
Genomic context (GRCh38, chr7:48,350,728, plus strand): 5'-CCATGCAGGCGCTGGACGCTTCCGTTTCTTGGGCAGCATCTTGGTCAATCTCTCTTCCTG[C>T]GTGGCACTGAACCGTTTCCAGGCTCTGCAGTCTGTCGACATCCTGGAGACTAAAGCACAT-3'
Protein context (NP_689914.3, residues 3420-3440): LGSILVNLSS[Cys3430=]VALNRFQALQ

ClinVar aggregate classification (germline): Likely benign (1 of 4 stars; one submission).

Allele frequency attached by ClinVar (database versions not stated): gnomAD 0.00014; ESP Exome Variant Server 0.00016; TOPMed 0.00019; gnomAD exomes 0.00025; ExAC 0.00028.
gnomAD v4.1: 384 of 1,613,796 alleles (0.024%); highest among the groups gnomAD compares: Middle Eastern, 0.12%; no homozygotes.

Submissions (2):

CeGaT Center for Human Genetics Tuebingen
Classification: Likely benign. Last evaluated: 2023-08-01. Review status: criteria provided, single submitter. Criteria: CeGaT Center For Human Genetics Tuebingen Variant Classification Criteria Version 2. Collection method: clinical testing. Allele origin: germline. Affected: yes. Observed: 1 variant allele.
Comment: ABCA13: BP4, BP7

Dr. Peter K. Rogan Lab, Western University
No classification provided (evidence only). Condition: Malignant tumor of urinary bladder. Review status: no classification provided. Collection method: in vitro. Allele origin: not applicable. Functional consequence: retained intron. Not counted in ClinVar's aggregate classification.